The following is an entry in ClinVar:

ClinVar aggregate classification (germline): Uncertain significance (1 of 4 stars; one submission).

Submission:

GeneDx
Classification: Uncertain significance. Last evaluated: 2025-02-19. Review status: criteria provided, single submitter. Criteria: GeneDx Variant Classification Process June 2021. Collection method: clinical testing. Allele origin: germline. Affected: yes.
Comment: Not observed at significant frequency in large population cohorts (gnomAD); In silico analysis indicates that this missense variant does not alter protein structure/function; Has not been previously published as pathogenic or benign to our knowledge

NM_018082.6(POLR3B):c.2365A>G (p.Lys789Glu)

Gene: POLR3B (RNA polymerase III subunit B; plus strand). Cytogenetic location: 12q23.3.
Variant type: single nucleotide variant.
Coding change: c.2365A>G on transcript NM_018082.6 (MANE Select); coding-DNA position 2365, A replaced by G.
Protein change: p.Lys789Glu; replaces lysine 789 with glutamic acid.
Molecular consequence: missense variant.
Genome position (GRCh38, 1-based): chr12:106,457,209, A>G. VCF-style: chr12-106457209-A-G. GRCh37 (hg19) VCF-style: chr12-106850987-A-G.
Other names: c.2191A>G, p.Lys731Glu (NM_001160708.2); short protein forms K731E, K789E.
Identifiers: ClinVar variation 4076717 (VCV004076717.1).
Genomic context (GRCh38, chr12:106,457,209, plus strand): 5'-TGCCTTGTATATAAAAATGCTAAATGTACGTTGAAACGATACACCAATCAGACTTTTGAT[A>G]AAGTGATGGGGCCCATGTTGGATGCTGCTACAAGGAAACCTATCTGGCGACATGAAATCT-3'
Protein context (NP_060552.4, residues 779-799): LKRYTNQTFD[Lys789Glu]VMGPMLDAAT